The following is an entry in ClinVar:

NM_138694.4(PKHD1):c.6122-22A>G

Gene: PKHD1 (PKHD1 ciliary IPT domain containing fibrocystin/polyductin; minus strand). Cytogenetic location: 6p12.2.
Variant type: single nucleotide variant.
Coding change: c.6122-22A>G on transcript NM_138694.4 (MANE Select); 22 bases into the intron before coding-DNA position 6122, A replaced by G.
Molecular consequence: intron variant.
Genome position (GRCh38, 1-based): chr6:51,912,598, T>C on the plus strand (A>G on the coding strand, the complement: PKHD1 is on the minus strand). VCF-style: chr6-51912598-T-C. GRCh37 (hg19) VCF-style: chr6-51777396-T-C.
Other names: c.6122-22A>G (NM_170724.3, NM_138694.3).
Identifiers: ClinVar variation 3256642 (VCV003256642.2).

ClinVar aggregate classification (germline): Uncertain significance. Review status: criteria provided, multiple submitters, no conflicts (2 of 4 stars). 2 submissions from 2 submitters: Uncertain significance (2). Last evaluated 2025-10-21.

Conditions:
PKHD1-related disorder. Also called: PKHD1-related condition.
Polycystic kidney disease 4 (PKD4). Also called: PKD3; POLYCYSTIC KIDNEY AND HEPATIC DISEASE 1; POLYCYSTIC KIDNEY DISEASE, INFANTILE, TYPE I; Autosomal Recessive Polycystic Kidney Disease – PKHD1; POLYCYSTIC KIDNEY DISEASE 4 WITH OR WITHOUT POLYCYSTIC LIVER DISEASE. Identifiers: MedGen C4540575, MONDO:0033004, OMIM 263200.

gnomAD v4.1: 7 of 1,504,170 alleles (0.00047%); highest among the groups gnomAD compares: Non-Finnish European, 0.00065%; no homozygotes.

Submissions (2):

PreventionGenetics, part of Exact Sciences
Classification: Uncertain significance for PKHD1-related condition. Last evaluated: 2025-10-21. Review status: criteria provided, single submitter. Criteria: ACMG Guidelines, 2015. Collection method: clinical testing. Allele origin: germline.
Comment: The PKHD1 c.6122-22A>G variant is predicted to interfere with splicing. This variant is predicted to alter splicing based on available splicing prediction programs (SpliceAI, Jaganathan et al. 2019. PubMed ID: 30661751). However, the use of computer prediction programs is not equivalent to functional evidence. To our knowledge, this variant has not been reported in the literature. This variant is reported in 0.0018% of alleles in individuals of European (Non-Finnish) descent in gnomAD. At this time, the clinical significance of this variant is uncertain due to the absence of conclusive functional and genetic evidence.

MVZ Medizinische Genetik Mainz
Classification: Uncertain significance for Polycystic kidney disease 4. Last evaluated: 2024-04-09. Review status: criteria provided, single submitter. Criteria: UK Practice Guidelines For Variant Classification V4 01 2020. Collection method: clinical testing. Allele origin: germline. Inheritance: Autosomal recessive inheritance. Affected: yes. Observed: 1 variant allele.
Comment: ACMG Criteria: PM2_SUP,PM3_SUP,PP3,PP4